The following is an entry in ClinVar:

ClinVar aggregate classification (germline): Uncertain significance (1 of 4 stars; one submission).

Submission:

GeneDx
Classification: Uncertain significance. Last evaluated: 2023-11-22. Review status: criteria provided, single submitter. Criteria: GeneDx Variant Classification Process June 2021. Collection method: clinical testing. Allele origin: germline. Affected: yes.
Comment: Not observed at significant frequency in large population cohorts (gnomAD); In silico analysis supports that this missense variant does not alter protein structure/function; Has not been previously published as pathogenic or benign to our knowledge

NM_005159.5(ACTC1):c.889G>C (p.Ala297Pro)

Genes: ACTC1 (actin alpha cardiac muscle 1; minus strand), GJD2-DT (GJD2 divergent transcript; plus strand). Cytogenetic location: 15q14.
Variant type: single nucleotide variant.
Coding change: c.889G>C on transcript NM_005159.5 (MANE Select); coding-DNA position 889, G replaced by C.
Protein change: p.Ala297Pro; replaces alanine 297 with proline.
Molecular consequence: missense variant.
Genome position (GRCh38, 1-based): chr15:34,791,215, C>G on the plus strand (G>C on the coding strand, the complement: ACTC1 is on the minus strand). VCF-style: chr15-34791215-C-G. GRCh37 (hg19) VCF-style: chr15-35083416-C-G.
Other names: c.889G>C, p.Ala297Pro (NM_001406482.1, NM_001406483.1); c.754G>C, p.Ala252Pro (NM_001406484.1); c.448G>C, p.Ala150Pro (NM_001406485.1); short protein forms A150P, A252P, A297P.
Identifiers: ClinVar variation 3364608 (VCV003364608.1).